The following is an entry in ClinVar:

NM_005845.5(ABCC4):c.185+7C>T

Gene: ABCC4 (ATP binding cassette subfamily C member 4 (PEL blood group); minus strand). Cytogenetic location: 13q32.1.
Variant type: single nucleotide variant.
Coding change: c.185+7C>T on transcript NM_005845.5 (MANE Select); 7 bases into the intron after coding-DNA position 185, C replaced by T.
Molecular consequence: intron variant.
Genome position (GRCh38, 1-based): chr13:95,247,636, G>A on the plus strand (C>T on the coding strand, the complement: ABCC4 is on the minus strand). VCF-style: chr13-95247636-G-A. GRCh37 (hg19) VCF-style: chr13-95899890-G-A.
Other names: p.?; c.185+7C>T (NM_001301829.2, NM_001301830.2, NM_001105515.3).
Identifiers: ClinVar variation 776803 (VCV000776803.5), dbSNP rs11568700, ClinGen allele CA7019899.

ClinVar aggregate classification (germline): Benign. Review status: criteria provided, multiple submitters, no conflicts (2 of 4 stars). 3 submissions from 3 submitters: Benign (3). Last evaluated 2023-10-18.

Allele frequency attached by ClinVar (database versions not stated): 1000 Genomes Project 30x 0.01530; gnomAD exomes 0.00132 and 0.00327; 1000 Genomes Project 0.01378; ExAC 0.00390; ESP Exome Variant Server 0.01199; gnomAD 0.01298; TOPMed 0.01414.
gnomAD v4.1: 4,001 of 1,609,654 alleles (0.25%); highest among the groups gnomAD compares: African/African-American, 4.5%; 71 homozygotes.

Submissions (3):

Mayo Clinic Laboratories, Mayo Clinic
Classification: Benign. Last evaluated: 2023-10-18. Review status: criteria provided, single submitter. Criteria: ACMG Guidelines, 2015. Collection method: clinical testing. Allele origin: germline. Observed: 12 variant alleles.
Comment: BS1, BS2, BP4, BP7

Labcorp Genetics (formerly Invitae), Labcorp
Classification: Benign. Last evaluated: 2018-02-26. Review status: criteria provided, single submitter. Criteria: Invitae Variant Classification Sherloc (09022015). Collection method: clinical testing. Allele origin: germline.

Breakthrough Genomics
Classification: Benign. Review status: criteria provided, single submitter. Criteria: ACMG Guidelines, 2015. Collection method: not provided. Allele origin: germline. Inheritance: Unknown mechanism. Affected: yes.